The following is an entry in ClinVar:

NM_181882.3(PRX):c.296C>G (p.Thr99Ser)

Gene: PRX (periaxin; minus strand). Cytogenetic location: 19q13.2.
Variant type: single nucleotide variant.
Coding change: c.296C>G on transcript NM_181882.3 (MANE Select); coding-DNA position 296, C replaced by G.
Protein change: p.Thr99Ser; replaces threonine 99 with serine.
Molecular consequence: missense variant.
Genome position (GRCh38, 1-based): chr19:40,398,705, G>C on the plus strand (C>G on the coding strand, the complement: PRX is on the minus strand). VCF-style: chr19-40398705-G-C. GRCh37 (hg19) VCF-style: chr19-40904612-G-C.
Other names: c.296C>G, p.Thr99Ser (NM_020956.2); short protein forms T99S.
Identifiers: ClinVar variation 1057564 (VCV001057564.5), dbSNP rs561203828, ClinGen allele CA9444513.

ClinVar aggregate classification (germline): Uncertain significance. Review status: criteria provided, multiple submitters, no conflicts (2 of 4 stars). 2 submissions from 2 submitters: Uncertain significance (2). Last evaluated 2024-04-18.

Conditions:
Charcot-Marie-Tooth disease type 4. Also called: Charcot-Marie-Tooth disease, type IV; Charcot-Marie-Tooth, Type 4. Identifiers: Orphanet 64749, MedGen C4082197, MONDO:0018995.

Allele frequency attached by ClinVar (database versions not stated): gnomAD 0.00005; 1000 Genomes Project 30x 0.00016; 1000 Genomes Project 0.00020; TOPMed 0.00004.

Submissions (2):

Revvity Omics, Revvity
Classification: Uncertain significance. Last evaluated: 2024-04-18. Review status: criteria provided, single submitter. Criteria: ACMG Guidelines, 2015. Collection method: clinical testing. Allele origin: germline.

Labcorp Genetics (formerly Invitae), Labcorp
Classification: Uncertain significance for Charcot-Marie-Tooth disease type 4. Last evaluated: 2022-07-19. Review status: criteria provided, single submitter. Criteria: Invitae Variant Classification Sherloc (09022015). Collection method: clinical testing. Allele origin: germline.
Comment: This sequence change replaces threonine, which is neutral and polar, with serine, which is neutral and polar, at codon 99 of the PRX protein (p.Thr99Ser). This variant is present in population databases (rs561203828, gnomAD 0.004%). This variant has not been reported in the literature in individuals affected with PRX-related conditions. ClinVar contains an entry for this variant (Variation ID: 1057564). Algorithms developed to predict the effect of missense changes on protein structure and function are either unavailable or do not agree on the potential impact of this missense change (SIFT: "Tolerated"; PolyPhen-2: "Possibly Damaging"; Align-GVGD: "Class C0"). In summary, the available evidence is currently insufficient to determine the role of this variant in disease. Therefore, it has been classified as a Variant of Uncertain Significance.